The following is an entry in ClinVar:

NM_002242.4(KCNJ13):c.100G>T (p.Ala34Ser)

Genes: GIGYF2 (GRB10 interacting GYF protein 2; plus strand), KCNJ13 (potassium inwardly rectifying channel subfamily J member 13; minus strand). Cytogenetic location: 2q37.1.
Variant type: single nucleotide variant.
Coding change: c.100G>T on transcript NM_002242.4 (MANE Select); coding-DNA position 100, G replaced by T.
Protein change: p.Ala34Ser; replaces alanine 34 with serine.
Molecular consequence: missense variant. On other transcripts: intron variant (5).
Genome position (GRCh38, 1-based): chr2:232,771,263, C>A on the plus strand (G>T on the coding strand, the complement: KCNJ13 is on the minus strand). VCF-style: chr2-232771263-C-A. GRCh37 (hg19) VCF-style: chr2-233635973-C-A.
Other names: c.100G>T, p.Ala34Ser (NM_001172416.1); c.532+9827C>A (NM_001103146.3, NM_015575.4, NM_001103148.2); c.533-5149C>A (NM_001103147.2); c.-23-118G>T (NM_001172417.1); short protein forms A34S.
Identifiers: ClinVar variation 1411569 (VCV001411569.6), dbSNP rs769160785, ClinGen allele CA2170085.

ClinVar aggregate classification (germline): Uncertain significance (1 of 4 stars; one submission).

Allele frequency attached by ClinVar (database versions not stated): gnomAD exomes 0.00001; ExAC 0.00002.
gnomAD v4.1: 4 of 1,607,854 alleles (0.00025%); highest among the groups gnomAD compares: South Asian, 0.0033%; no homozygotes.

Submission:

Labcorp Genetics (formerly Invitae), Labcorp
Classification: Uncertain significance. Last evaluated: 2023-12-11. Review status: criteria provided, single submitter. Criteria: Invitae Variant Classification Sherloc (09022015). Collection method: clinical testing. Allele origin: germline.
Comment: This sequence change replaces alanine, which is neutral and non-polar, with serine, which is neutral and polar, at codon 34 of the KCNJ13 protein (p.Ala34Ser). This variant is present in population databases (rs769160785, gnomAD 0.007%). This variant has not been reported in the literature in individuals affected with KCNJ13-related conditions. ClinVar contains an entry for this variant (Variation ID: 1411569). Advanced modeling of protein sequence and biophysical properties (such as structural, functional, and spatial information, amino acid conservation, physicochemical variation, residue mobility, and thermodynamic stability) performed at Invitae indicates that this missense variant is not expected to disrupt KCNJ13 protein function with a negative predictive value of 80%. In summary, the available evidence is currently insufficient to determine the role of this variant in disease. Therefore, it has been classified as a Variant of Uncertain Significance.